The following is an entry in ClinVar:

NM_000021.4(PSEN1):c.779C>T (p.Ala260Val)

Gene: PSEN1 (presenilin 1; plus strand). Cytogenetic location: 14q24.2.
Variant type: single nucleotide variant.
Coding change: c.779C>T on transcript NM_000021.4 (MANE Select); coding-DNA position 779, C replaced by T.
Protein change: p.Ala260Val; replaces alanine 260 with valine.
Molecular consequence: missense variant.
Genome position (GRCh38, 1-based): chr14:73,198,040, C>T. VCF-style: chr14-73198040-C-T. GRCh37 (hg19) VCF-style: chr14-73664748-C-T.
Other names: c.767C>T, p.Ala256Val (NM_007318.3); short protein forms A260V, A256V.
Identifiers: ClinVar variation 98075 (VCV000098075.4), dbSNP rs63751420, ClinGen allele CA225110.

ClinVar aggregate classification (germline): Pathogenic. Review status: criteria provided, single submitter (1 of 4 stars). 2 submissions from 2 submitters: Pathogenic (1). 1 of the submissions does not count toward it. Last evaluated 2025-01-01.

Conditions:
Alzheimer disease 3 (AD3). Also called: ALZHEIMER DISEASE, FAMILIAL, 3. Identifiers: Orphanet 1020, MedGen C1843013, MONDO:0011913, OMIM 607822.
Acne inversa, familial, 3 (ACNINV3). Identifiers: MedGen C3151038, MONDO:0013398, OMIM 613737.
Frontotemporal dementia (FTD1). Also called: Frontotemporal Dementia with Parkinsonism-17 (FTDP-17); FRONTOTEMPORAL DEMENTIA WITH PARKINSONISM; FRONTOTEMPORAL LOBE DEMENTIA; MULTIPLE SYSTEM TAUOPATHY WITH PRESENILE DEMENTIA; Dementia, frontotemporal, with or without parkinsonism; WILHELMSEN-LYNCH DISEASE. Identifiers: Orphanet 282, MedGen C0338451, MONDO:0017276, OMIM 600274, HP:0002145.
Pick disease. Also called: PICK DISEASE OF BRAIN; DEMENTIA WITH LOBAR ATROPHY AND NEURONAL CYTOPLASMIC INCLUSIONS; LOBAR ATROPHY OF BRAIN; Pick's disease; Pick Disease of the Brain. Identifiers: Orphanet 282, MedGen C0236642, MONDO:0008243, OMIM 172700.

Submissions (2):

Labcorp Genetics (formerly Invitae), Labcorp
Classification: Pathogenic for Alzheimer disease 3; Pick disease; Acne inversa, familial, 3; Frontotemporal dementia. Last evaluated: 2025-01-01. Review status: criteria provided, single submitter. Criteria: Invitae Variant Classification Sherloc (09022015). Collection method: clinical testing. Allele origin: germline.
Comment: This sequence change replaces alanine, which is neutral and non-polar, with valine, which is neutral and non-polar, at codon 260 of the PSEN1 protein (p.Ala260Val). This variant is not present in population databases (gnomAD no frequency). This missense change has been observed in individuals with early-onset Alzheimer disease (PMID: 9007097, 10468510, 24773620, 27777022). It has also been observed to segregate with disease in related individuals. ClinVar contains an entry for this variant (Variation ID: 98075). Invitae Evidence Modeling of protein sequence and biophysical properties (such as structural, functional, and spatial information, amino acid conservation, physicochemical variation, residue mobility, and thermodynamic stability) indicates that this missense variant is expected to disrupt PSEN1 protein function with a positive predictive value of 95%. Experimental studies have shown that this missense change affects PSEN1 function (PMID: 11489281, 27930341). For these reasons, this variant has been classified as Pathogenic.

VIB  Department of Molecular Genetics, University of Antwerp
No classification provided. Review status: no classification provided. Collection method: not provided. Allele origin: not provided. Not counted in ClinVar's aggregate classification.

Literature cited by the submitters: PubMed 9007097 (cited by Labcorp Genetics (formerly Invitae), Labcorp); PubMed 10468510 (cited by Labcorp Genetics (formerly Invitae), Labcorp); PubMed 24773620 (cited by Labcorp Genetics (formerly Invitae), Labcorp); PubMed 27777022 (cited by Labcorp Genetics (formerly Invitae), Labcorp); PubMed 11489281 (cited by Labcorp Genetics (formerly Invitae), Labcorp); PubMed 27930341 (cited by Labcorp Genetics (formerly Invitae), Labcorp).